The following is an entry in ClinVar:

NC_000016.9:g.(?_5127426)_(5129828_?)del

Gene: ALG1 (ALG1 chitobiosyldiphosphodolichol beta-mannosyltransferase; plus strand). Cytogenetic location: 16p13.3.
Variant type: Deletion.
Identifiers: ClinVar variation 3243500 (VCV003243500.1).

ClinVar aggregate classification (germline): Pathogenic (1 of 4 stars; one submission).

Conditions:
ALG1-congenital disorder of glycosylation. Also called: CONGENITAL DISORDER OF GLYCOSYLATION, TYPE Ik; CDG Ik; ALG1-CDG. Identifiers: Orphanet 79327, MedGen C2931005, MONDO:0012052, OMIM 608540.

Submission:

Labcorp Genetics (formerly Invitae), Labcorp
Classification: Pathogenic for ALG1-congenital disorder of glycosylation. Last evaluated: 2023-09-05. Review status: criteria provided, single submitter. Criteria: Invitae Variant Classification Sherloc (09022015). Collection method: clinical testing. Allele origin: unknown.
Comment: This variant is a gross deletion of the genomic region encompassing exon(s) 5-9 of the ALG1 gene. This deletion is out-of-frame, and is expected to create a premature termination codon and result in an absent or disrupted protein product. Loss-of-function variants in ALG1 are known to be pathogenic (PMID: 20679665, 23806237). This variant has not been reported in the literature in individuals affected with ALG1-related conditions. For these reasons, this variant has been classified as Pathogenic.

Literature cited by the submitters: PubMed 20679665; PubMed 23806237.